The following is an entry in ClinVar:

NM_004655.4(AXIN2):c.1724dup (p.Ser576fs)

Gene: AXIN2 (axin 2; minus strand). Cytogenetic location: 17q24.1.
Variant type: Duplication.
Coding change: c.1724dup on transcript NM_004655.4 (MANE Select); coding-DNA position 1724, one base duplicated (G; older notation c.1724dupG).
Protein change: p.Ser576fs; shifts the reading frame from serine 576.
Molecular consequence: frameshift variant. On other transcripts: intron variant (1).
Genome position (GRCh38, 1-based): chr17:65,537,052, C duplicated on the plus strand (G on the coding strand, the reverse complement: AXIN2 is on the minus strand); the first of 2 consecutive C bases (chr17:65,537,052-65,537,053); duplicating either gives the same sequence. VCF-style (leftmost placement, unchanged base first): chr17-65537051-G-GC. GRCh37 (hg19) VCF-style: chr17-63533169-G-GC.
Other names: c.1712+272dup (NM_001363813.1); c.1724dupG (NM_004655.3); short protein forms S576fs.
Identifiers: ClinVar variation 1778835 (VCV001778835.2), dbSNP rs2509409036, ClinGen allele CA2580094702.

ClinVar aggregate classification (germline): Pathogenic (1 of 4 stars; one submission).

Conditions:
Hereditary cancer-predisposing syndrome. Also called: Neoplastic Syndromes, Hereditary; Tumor predisposition; Hereditary Cancer Syndrome; Hereditary neoplastic syndrome. Identifiers: Orphanet 140162, MedGen C0027672, MeSH D009386, MONDO:0015356.

Submission:

Ambry Genetics
Classification: Pathogenic for Hereditary cancer-predisposing syndrome. Last evaluated: 2021-05-11. Review status: criteria provided, single submitter. Criteria: Ambry Variant Classification Scheme 2023. Collection method: clinical testing. Allele origin: germline.
Comment: The c.1724dupG pathogenic mutation, located in coding exon 6 of the AXIN2 gene, results from a duplication of G at nucleotide position 1724, causing a translational frameshift with a predicted alternate stop codon (p.S576Qfs*52). This alteration is expected to result in loss of function by premature protein truncation or nonsense-mediated mRNA decay. As such, this alteration is interpreted as a disease-causing mutation.